The following is an entry in ClinVar:

NC_000021.8:g.(?_34614228)_(34614302_?)del

Gene: IFNAR2 (interferon alpha and beta receptor subunit 2; plus strand). Cytogenetic location: 21q22.11.
Variant type: Deletion.
Identifiers: ClinVar variation 2427782 (VCV002427782.4).

ClinVar aggregate classification (germline): Pathogenic (1 of 4 stars; one submission).

Submission:

Labcorp Genetics (formerly Invitae), Labcorp
Classification: Pathogenic. Last evaluated: 2022-04-11. Review status: criteria provided, single submitter. Criteria: Invitae Variant Classification Sherloc (09022015). Collection method: clinical testing. Allele origin: germline.
Comment: This variant is a gross deletion of the genomic region encompassing exon(s) 2 of the IFNAR2 gene, which includes the initiator codon. This deletion extends beyond the assayed region for this gene and therefore may encompass additional genes. It is expected to result in an absent or disrupted protein product. Loss-of-function variants in IFNAR2 are known to be pathogenic (PMID: 26424569, 33193576). This variant has not been reported in the literature in individuals affected with IFNAR2-related conditions. For these reasons, this variant has been classified as Pathogenic.

Literature cited by the submitters: PubMed 26424569; PubMed 33193576.